The following is an entry in ClinVar:

NM_005477.3(HCN4):c.1103A>G (p.Tyr368Cys)

Genes: HCN4 (hyperpolarization activated cyclic nucleotide gated potassium channel 4; minus strand), LOC105370890 (uncharacterized LOC105370890; plus strand), LOC126862173 (CDK7 strongly-dependent group 2 enhancer GRCh37_chr15:73635762-73636961; plus strand). Cytogenetic location: 15q24.1.
Variant type: single nucleotide variant.
Coding change: c.1103A>G on transcript NM_005477.3 (MANE Select); coding-DNA position 1103, A replaced by G.
Protein change: p.Tyr368Cys; replaces tyrosine 368 with cysteine.
Molecular consequence: missense variant.
Genome position (GRCh38, 1-based): chr15:73,343,491, T>C on the plus strand (A>G on the coding strand, the complement: HCN4 is on the minus strand). VCF-style: chr15-73343491-T-C. GRCh37 (hg19) VCF-style: chr15-73635832-T-C.
Other names: short protein forms Y368C.
Identifiers: ClinVar variation 853718 (VCV000853718.10), dbSNP rs2043016672, ClinGen allele CA393094843.

ClinVar aggregate classification (germline): Uncertain significance (1 of 4 stars; one submission).

Conditions:
Brugada syndrome 8 (BRGDA8). Identifiers: Orphanet 130, MedGen C2751083, MONDO:0013148, OMIM 613123.

Submission:

Labcorp Genetics (formerly Invitae), Labcorp
Classification: Uncertain significance for Brugada syndrome 8. Last evaluated: 2025-03-24. Review status: criteria provided, single submitter. Criteria: Invitae Variant Classification Sherloc (09022015). Collection method: clinical testing. Allele origin: germline.
Comment: This sequence change replaces tyrosine, which is neutral and polar, with cysteine, which is neutral and slightly polar, at codon 368 of the HCN4 protein (p.Tyr368Cys). This variant is not present in population databases (gnomAD no frequency). This variant has not been reported in the literature in individuals affected with HCN4-related conditions. ClinVar contains an entry for this variant (Variation ID: 853718). Invitae Evidence Modeling of protein sequence and biophysical properties (such as structural, functional, and spatial information, amino acid conservation, physicochemical variation, residue mobility, and thermodynamic stability) indicates that this missense variant is expected to disrupt HCN4 protein function with a positive predictive value of 95%. In summary, the available evidence is currently insufficient to determine the role of this variant in disease. Therefore, it has been classified as a Variant of Uncertain Significance.